The following is an entry in ClinVar:

ClinVar aggregate classification (germline): Uncertain significance. Review status: criteria provided, multiple submitters, no conflicts (2 of 4 stars). 3 submissions from 3 submitters: Uncertain significance (3). Last evaluated 2024-11-11.

Conditions:
Inborn genetic diseases. Identifiers: MedGen C0950123, MeSH D030342.
Autosomal dominant Parkinson disease 8. Also called: LRRK2-Related Parkinson Disease; Parkinson disease 8; Parkinson disease 8, susceptibility to. Identifiers: Orphanet 411602, MedGen C1846862, MONDO:0011764, OMIM 607060.

Allele frequency attached by ClinVar (database versions not stated): gnomAD exomes below 0.00001.
gnomAD v4.1: 4 of 1,613,550 alleles (0.00025%); highest among the groups gnomAD compares: Middle Eastern, 0.066%; no homozygotes.

Submissions (3):

Ambry Genetics
Classification: Uncertain significance for Inborn genetic diseases. Last evaluated: 2024-11-11. Review status: criteria provided, single submitter. Criteria: Ambry Variant Classification Scheme 2023. Collection method: clinical testing. Allele origin: germline.
Comment: The p.F164S variant (also known as c.491T>C), located in coding exon 5 of the LRRK2 gene, results from a T to C substitution at nucleotide position 491. The phenylalanine at codon 164 is replaced by serine, an amino acid with highly dissimilar properties. This amino acid position is conserved. In addition, the in silico prediction for this alteration is inconclusive. Since supporting evidence is limited at this time, the clinical significance of this alteration remains unclear.

Blueprint Genetics
Classification: Uncertain significance. Last evaluated: 2023-02-28. Review status: criteria provided, single submitter. Criteria: ACMG Guidelines, 2015. Collection method: clinical testing. Allele origin: germline.

Suna and Inan Kirac Foundation Neurodegeneration Research Laboratory, Koc University
Classification: Uncertain significance for Autosomal dominant Parkinson disease 8. Last evaluated: 2022-01-07. Review status: criteria provided, single submitter. Criteria: ACMG Guidelines, 2015. Collection method: research. Allele origin: germline. Affected: yes. Observed: 2 variant alleles.

NM_198578.4(LRRK2):c.491T>C (p.Phe164Ser)

Gene: LRRK2 (leucine rich repeat kinase 2; plus strand). Cytogenetic location: 12q12.
Variant type: single nucleotide variant.
Coding change: c.491T>C on transcript NM_198578.4 (MANE Select); coding-DNA position 491, T replaced by C.
Protein change: p.Phe164Ser; replaces phenylalanine 164 with serine.
Molecular consequence: missense variant.
Genome position (GRCh38, 1-based): chr12:40,238,023, T>C. VCF-style: chr12-40238023-T-C. GRCh37 (hg19) VCF-style: chr12-40631825-T-C.
Other names: c.491T>C (NM_198578.3); short protein forms F164S.
Identifiers: ClinVar variation 1334457 (VCV001334457.6), dbSNP rs2136421740, ClinGen allele CA384403961.